The following is an entry in ClinVar:

NM_138801.3(GALM):c.392G>A (p.Arg131His)

Gene: GALM (galactose mutarotase; plus strand). Cytogenetic location: 2p22.1.
Variant type: single nucleotide variant.
Coding change: c.392G>A on transcript NM_138801.3 (MANE Select); coding-DNA position 392, G replaced by A.
Protein change: p.Arg131His; replaces arginine 131 with histidine.
Molecular consequence: missense variant.
Genome position (GRCh38, 1-based): chr2:38,681,326, G>A. VCF-style: chr2-38681326-G-A. GRCh37 (hg19) VCF-style: chr2-38908468-G-A.
Other names: short protein forms R131H.
Identifiers: ClinVar variation 4804105 (VCV004804105.1).

ClinVar aggregate classification (germline): Uncertain significance (1 of 4 stars; one submission).

gnomAD v4.1: 111 of 1,613,754 alleles (0.0069%); highest among the groups gnomAD compares: East Asian, 0.14%; no homozygotes.

Submission:

Labcorp Genetics (formerly Invitae), Labcorp
Classification: Uncertain significance. Last evaluated: 2025-06-22. Review status: criteria provided, single submitter. Criteria: Invitae Variant Classification Sherloc (09022015). Collection method: clinical testing. Allele origin: germline.
Comment: This sequence change replaces arginine, which is basic and polar, with histidine, which is basic and polar, at codon 131 of the GALM protein (p.Arg131His). This variant is present in population databases (rs114743178, gnomAD 0.03%). This variant has not been reported in the literature in individuals affected with GALM-related conditions. Invitae Evidence Modeling of protein sequence and biophysical properties (such as structural, functional, and spatial information, amino acid conservation, physicochemical variation, residue mobility, and thermodynamic stability) indicates that this missense variant is not expected to disrupt GALM protein function with a negative predictive value of 80%. Experimental studies have shown that this missense change does not substantially affect GALM function (PMID: 30910422). In summary, the available evidence is currently insufficient to determine the role of this variant in disease. Therefore, it has been classified as a Variant of Uncertain Significance.

Literature cited by the submitters: PubMed 30910422.